The following is an entry in ClinVar:

ClinVar aggregate classification (germline): Conflicting classifications of pathogenicity. Review status: criteria provided, conflicting classifications (1 of 4 stars). 3 submissions from 3 submitters: Uncertain significance (2); Likely benign (1). Last evaluated 2025-10-03.

Conditions:
Hereditary cancer-predisposing syndrome. Also called: Neoplastic Syndromes, Hereditary; Tumor predisposition; Hereditary Cancer Syndrome; Hereditary neoplastic syndrome. Identifiers: Orphanet 140162, MedGen C0027672, MeSH D009386, MONDO:0015356.
Hereditary breast ovarian cancer syndrome. Also called: Hereditary breast and ovarian cancer syndrome; Breast and ovarian cancer; Hereditary breast and/or ovarian cancer syndrome; Hereditary breast and ovarian cancer; BRCA1- and BRCA2-Associated Hereditary Breast and Ovarian Cancer; Hereditary breast and ovarian cancer syndrome (HBOC). Identifiers: Orphanet 145, MedGen C0677776, MeSH D061325, MONDO:0003582. Disease mechanism: loss of function.

Submissions (3):

Ambry Genetics
Classification: Uncertain significance for Hereditary cancer-predisposing syndrome. Last evaluated: 2025-10-03. Review status: criteria provided, single submitter. Criteria: Ambry Variant Classification Scheme 2023. Collection method: clinical testing. Allele origin: germline.
Comment: The p.T1310A variant (also known as c.3928A>G), located in coding exon 10 of the BRCA2 gene, results from an A to G substitution at nucleotide position 3928. The threonine at codon 1310 is replaced by alanine, an amino acid with similar properties. This alteration was identified in a cohort of Spanish hereditary breast and ovarian cancer families (Gabald&oacute; Barrios X et al. Fam Cancer, 2017 10;16:477-489). This amino acid position is not well conserved in available vertebrate species. In addition, this alteration is predicted to be tolerated by in silico analysis. Since supporting evidence is limited at this time, the clinical significance of this alteration remains unclear.

Labcorp Genetics (formerly Invitae), Labcorp
Classification: Uncertain significance for Hereditary breast ovarian cancer syndrome. Last evaluated: 2023-04-22. Review status: criteria provided, single submitter. Criteria: Invitae Variant Classification Sherloc (09022015). Collection method: clinical testing. Allele origin: germline.
Comment: This variant is not present in population databases (gnomAD no frequency). This sequence change replaces threonine, which is neutral and polar, with alanine, which is neutral and non-polar, at codon 1310 of the BRCA2 protein (p.Thr1310Ala). This missense change has been observed in individual(s) with breast cancer (PMID: 28477318). ClinVar contains an entry for this variant (Variation ID: 1736241). Advanced modeling of protein sequence and biophysical properties (such as structural, functional, and spatial information, amino acid conservation, physicochemical variation, residue mobility, and thermodynamic stability) performed at Invitae indicates that this missense variant is not expected to disrupt BRCA2 protein function. In summary, the available evidence is currently insufficient to determine the role of this variant in disease. Therefore, it has been classified as a Variant of Uncertain Significance.

University of Washington Department of Laboratory Medicine, University of Washington
Classification: Likely benign for Hereditary cancer-predisposing syndrome. Last evaluated: 2023-03-23. Review status: criteria provided, single submitter. Criteria: Dines et al. (Genet Med. 2020). Collection method: curation. Allele origin: germline.
Comment: Missense variant in a coldspot region where missense variants are very unlikely to be pathogenic (PMID:31911673).

BRCA2 exon 11 coldspot. Reclassification based on statistical prior probability.

Literature cited by the submitters: PubMed 28477318 (cited by Ambry Genetics and Labcorp Genetics (formerly Invitae), Labcorp).

NM_000059.4(BRCA2):c.3928A>G (p.Thr1310Ala)

Gene: BRCA2 (BRCA2 DNA repair associated; plus strand). Cytogenetic location: 13q13.1.
Variant type: single nucleotide variant.
Coding change: c.3928A>G on transcript NM_000059.4 (MANE Select); coding-DNA position 3928, A replaced by G.
Protein change: p.Thr1310Ala; replaces threonine 1310 with alanine.
Molecular consequence: missense variant.
Genome position (GRCh38, 1-based): chr13:32,338,283, A>G. VCF-style: chr13-32338283-A-G. GRCh37 (hg19) VCF-style: chr13-32912420-A-G.
Other names: c.3928A>G, p.Thr1310Ala (NM_001406719.1, NM_001406720.1); short protein forms T1310A.
Identifiers: ClinVar variation 1736241 (VCV001736241.8), dbSNP rs2072491912, ClinGen allele CA387778843.